The following is an entry in ClinVar:

NM_030665.4(RAI1):c.5235T>G (p.Cys1745Trp)

Gene: RAI1 (retinoic acid induced 1; plus strand). Cytogenetic location: 17p11.2.
Variant type: single nucleotide variant.
Coding change: c.5235T>G on transcript NM_030665.4 (MANE Select); coding-DNA position 5235, T replaced by G.
Protein change: p.Cys1745Trp; replaces cysteine 1745 with tryptophan.
Molecular consequence: missense variant.
Genome position (GRCh38, 1-based): chr17:17,798,183, T>G. VCF-style: chr17-17798183-T-G. GRCh37 (hg19) VCF-style: chr17-17701497-T-G.
Other names: short protein forms C1745W.
Identifiers: ClinVar variation 1561862 (VCV001561862.12), dbSNP rs763000754, ClinGen allele CA8419118.

ClinVar aggregate classification (germline): Conflicting classifications of pathogenicity. Review status: criteria provided, conflicting classifications (1 of 4 stars). 3 submissions from 3 submitters: Uncertain significance (1); Likely benign (1). 1 of the submissions does not count toward it. Last evaluated 2025-06-27.

Conditions:
Inborn genetic diseases. Identifiers: MedGen C0950123, MeSH D030342.
RAI1-related disorder. Also called: RAI1-related condition.

Allele frequency attached by ClinVar (database versions not stated): gnomAD 0.00001; TOPMed 0.00003; gnomAD exomes 0.00006 and 0.00011; ExAC 0.00016.
gnomAD v4.1: 88 of 1,611,910 alleles (0.0055%); highest among the groups gnomAD compares: South Asian, 0.069%; no homozygotes.

Submissions (3):

Labcorp Genetics (formerly Invitae), Labcorp
Classification: Likely benign. Last evaluated: 2025-06-27. Review status: criteria provided, single submitter. Criteria: Invitae Variant Classification Sherloc (09022015). Collection method: clinical testing. Allele origin: germline.

Ambry Genetics
Classification: Uncertain significance for Inborn genetic diseases. Last evaluated: 2018-03-21. Review status: criteria provided, single submitter. Criteria: Ambry Variant Classification Scheme 2023. Collection method: clinical testing. Allele origin: germline.
Comment: The p.C1745W variant (also known as c.5235T>G), located in coding exon 1 of the RAI1 gene, results from a T to G substitution at nucleotide position 5235. The cysteine at codon 1745 is replaced by tryptophan, an amino acid with highly dissimilar properties. This amino acid position is well conserved in available vertebrate species. In addition, this alteration is predicted to be tolerated by in silico analysis. Since supporting evidence is limited at this time, the clinical significance of this alteration remains unclear.

PreventionGenetics, part of Exact Sciences
Classification: Likely benign for RAI1-related condition. Last evaluated: 2023-06-07. Review status: no assertion criteria provided. Collection method: clinical testing. Allele origin: germline. Not counted in ClinVar's aggregate classification.
Comment: This variant is classified as likely benign based on ACMG/AMP sequence variant interpretation guidelines (Richards et al. 2015 PMID: 25741868, with internal and published modifications).